The following is an entry in ClinVar:

NM_000091.5:c.(3882+1_3883-1)_(4251+1_4253-1)dup

Gene: COL4A3 (collagen type IV alpha 3 chain; plus strand).
Variant type: Duplication.
Other names: c.(3882+1_3883-1)_(4251+1_4253-1)dup (NM_000091.5).
Identifiers: ClinVar variation 4853848 (VCV004853848.1).

ClinVar aggregate classification (germline): Pathogenic (1 of 4 stars; one submission).

Conditions:
Alport syndrome 3b, autosomal recessive. Identifiers: MedGen C5882699, MONDO:0957811, OMIM 620536.

Submission:

Centre de Génétique Humaine, Institut de Pathologie Et de Génétique
Classification: Pathogenic for Alport syndrome 3b, autosomal recessive. Last evaluated: 2026-03-27. Review status: criteria provided, single submitter. Criteria: ACMG Guidelines, 2015. Collection method: clinical testing. Allele origin: paternal, maternal. Inheritance: Autosomal recessive inheritance. Affected: yes. Observed: 2 variant alleles, 2 compound heterozygotes. Clinical features observed: Microscopic hematuria (HP:0002907), Proteinuria (HP:0000093). Segregation with disease observed.
Comment: Intragenic duplication of coding region (4 exons) (2E: 0.9) in a patients with AR Alport syndrome Inheritance information is unavailable (5H:0.15). Reported variant as homozygous in two independent families with Alport Syndrome. (4E:0.20)

Literature cited by the submitters: PubMed 24854265; PubMed 26628280.